The following is an entry in ClinVar:

NM_021096.4(CACNA1I):c.1057-8C>T

Gene: CACNA1I (calcium voltage-gated channel subunit alpha1 I; plus strand). Cytogenetic location: 22q13.1.
Variant type: single nucleotide variant.
Coding change: c.1057-8C>T on transcript NM_021096.4 (MANE Select); 8 bases into the intron before coding-DNA position 1057, C replaced by T.
Molecular consequence: intron variant.
Genome position (GRCh38, 1-based): chr22:39,642,789, C>T. VCF-style: chr22-39642789-C-T. GRCh37 (hg19) VCF-style: chr22-40038794-C-T.
Other names: c.1057-8C>T (NM_001003406.2).
Identifiers: ClinVar variation 3035266 (VCV003035266.2), dbSNP rs750751457, ClinGen allele CA10243764.
Genomic context (GRCh38, chr22:39,642,789, plus strand): 5'-GCACTGCCTGGGCTACGGGCTTTCTGATGGGCCAGTCCTCTCGGCTCTCTCTCCTCTGCG[C>T]GCTGCAGGTGATCACTCTGGAAGGCTGGGTGGAGATCATGTACTACGTGATGGATGCTCA-3'

ClinVar aggregate classification (germline): Likely benign (0 of 4 stars; one submission).

Conditions:
CACNA1I-related disorder. Also called: CACNA1I-related condition.

Allele frequency attached by ClinVar (database versions not stated): gnomAD 0.00003; TOPMed 0.00003; gnomAD exomes 0.00004; ExAC 0.00011.
gnomAD v4.1: 63 of 1,601,096 alleles (0.0039%); highest among the groups gnomAD compares: Middle Eastern, 0.05%; no homozygotes.

Submission:

PreventionGenetics, part of Exact Sciences
Classification: Likely benign for CACNA1I-related condition. Last evaluated: 2022-09-16. Review status: no assertion criteria provided. Collection method: clinical testing. Allele origin: germline.
Comment: This variant is classified as likely benign based on ACMG/AMP sequence variant interpretation guidelines (Richards et al. 2015 PMID: 25741868, with internal and published modifications).